The following is an entry in ClinVar:

ClinVar aggregate classification (germline): Uncertain significance (1 of 4 stars; one submission).

Conditions:
Chédiak-Higashi syndrome (CHS). Also called: Chediak-Higashi Syndrome. Identifiers: Orphanet 167, MedGen C0007965, MONDO:0008963, OMIM 214500.

gnomAD v4.1: 2 of 1,613,430 alleles (0.00012%); highest among the groups gnomAD compares: Non-Finnish European, 0.00017%; no homozygotes.

Submission:

Labcorp Genetics (formerly Invitae), Labcorp
Classification: Uncertain significance for Chédiak-Higashi syndrome. Last evaluated: 2022-08-22. Review status: criteria provided, single submitter. Criteria: Invitae Variant Classification Sherloc (09022015). Collection method: clinical testing. Allele origin: germline.
Comment: This variant has not been reported in the literature in individuals affected with LYST-related conditions. In summary, the available evidence is currently insufficient to determine the role of this variant in disease. Therefore, it has been classified as a Variant of Uncertain Significance. Algorithms developed to predict the effect of missense changes on protein structure and function are either unavailable or do not agree on the potential impact of this missense change (SIFT: "Deleterious"; PolyPhen-2: "Probably Damaging"; Align-GVGD: "Class C0"). ClinVar contains an entry for this variant (Variation ID: 1508360). This variant is present in population databases (no rsID available, gnomAD 0.0009%). This sequence change replaces lysine, which is basic and polar, with asparagine, which is neutral and polar, at codon 2980 of the LYST protein (p.Lys2980Asn).

NM_000081.4(LYST):c.8940A>C (p.Lys2980Asn)

Gene: LYST (lysosomal trafficking regulator; minus strand). Cytogenetic location: 1q42.3.
Variant type: single nucleotide variant.
Coding change: c.8940A>C on transcript NM_000081.4 (MANE Select); coding-DNA position 8940, A replaced by C.
Protein change: p.Lys2980Asn; replaces lysine 2980 with asparagine.
Molecular consequence: missense variant.
Genome position (GRCh38, 1-based): chr1:235,731,039, T>G on the plus strand (A>C on the coding strand, the complement: LYST is on the minus strand). VCF-style: chr1-235731039-T-G. GRCh37 (hg19) VCF-style: chr1-235894339-T-G.
Other names: c.8940A>C, p.Lys2980Asn (NM_001301365.1); short protein forms K2980N.
Identifiers: ClinVar variation 1508360 (VCV001508360.5), dbSNP rs1204158086, ClinGen allele CA344949791.